The following is an entry in ClinVar:

NM_001378454.1(ALMS1):c.6166_6167dup (p.Leu2057fs)

Gene: ALMS1 (ALMS1 centrosome and basal body associated protein; plus strand). Cytogenetic location: 2p13.1.
Variant type: Microsatellite.
Coding change: c.6166_6167dup on transcript NM_001378454.1 (MANE Select); coding-DNA positions 6166 to 6167, 2 bases duplicated (AT; older notation c.6166_6167dupAT).
Protein change: p.Leu2057fs; shifts the reading frame from leucine 2057.
Molecular consequence: frameshift variant.
Genome position (GRCh38, 1-based): chr2:73,452,693-73,452,694, AT duplicated; duplicating any 2 consecutive bases within chr2:73,452,691-73,452,694 gives the same sequence; the c. name uses the placement nearest the transcript's 3' end. VCF-style (leftmost placement, unchanged base first): chr2-73452690-A-AAT. GRCh37 (hg19) VCF-style: chr2-73679817-A-AAT.
Other names: c.6169_6170dupAT (NM_015120.4); c.6169_6170dup, p.Leu2058fs (NM_015120.4); short protein forms L2058fs, L2057fs.
Identifiers: ClinVar variation 529393 (VCV000529393.16), dbSNP rs759603306, ClinGen allele CA1714015.
Genomic context (GRCh38, chr2:73,452,690, plus strand): 5'-GACCAGAAGACTCCATCCCAGACAGCTTTTCATAGTTCCTATTCTCAAACAGTAAAGCCC[A>AAT]ATATTTTATTTCAACAGCAGTTGCCAGATAGAGATCAAAGTAAAGGTATTCTAAAGATTT-3'

ClinVar aggregate classification (germline): Pathogenic. Review status: criteria provided, multiple submitters, no conflicts (2 of 4 stars). 4 submissions from 4 submitters: Pathogenic (3). 1 of the submissions does not count toward it. Last evaluated 2025-12-10.

Conditions:
Alstrom syndrome (ALMS). Identifiers: Orphanet 64, MedGen C0268425, MONDO:0008763, OMIM 203800.

Submissions (4):

Natera, Inc.
Classification: Pathogenic for Alstrom syndrome. Last evaluated: 2025-12-10. Review status: criteria provided, single submitter. Criteria: Natera Variant Classification Schema (03/2026). Collection method: clinical testing. Allele origin: germline.
Comment: The c.6169_6170dupAT variant in ALMS1 is a frameshift variant predicted to shift the reading frame beginning at codon 2058 and leads to a stop codon 17 codons downstream. This variant is expected to result in nonsense mediated decay, truncation, or a dysfunctional protein product. This variant is rare in the general population with a frequency below the threshold expected for the associated phenotype(s). This variant has been observed in one or more individuals affected with the associated recessive disease, as either homozygous or compound heterozygous with a second variant (PMID: 38671463). Given the available evidence, this variant is classified as Pathogenic.

Women's Health and Genetics/Laboratory Corporation of America, LabCorp
Classification: Pathogenic for Alstrom syndrome. Last evaluated: 2025-03-25. Review status: criteria provided, single submitter. Criteria: LabCorp Variant Classification Summary - May 2015. Collection method: clinical testing. Allele origin: germline.
Comment: Variant summary: ALMS1 c.6163_6164dupAT (p.Leu2056PhefsX17) results in a premature termination codon, predicted to cause a truncation of the encoded protein or absence of the protein due to nonsense mediated decay, which are commonly known mechanisms for disease. The variant allele was found at a frequency of 1.2e-05 in 247948 control chromosomes (gnomAD). c.6163_6164dupAT has been reported in the literature in at least an individual affected with Alstrom Syndrome (example: Pan_2024). The following publication have been ascertained in the context of this evaluation (PMID: 38671463). ClinVar contains an entry for this variant (Variation ID: 529393). Based on the evidence outlined above, the variant was classified as pathogenic.

Labcorp Genetics (formerly Invitae), Labcorp
Classification: Pathogenic for Alstrom syndrome. Last evaluated: 2025-01-06. Review status: criteria provided, single submitter. Criteria: Invitae Variant Classification Sherloc (09022015). Collection method: clinical testing. Allele origin: germline.
Comment: This sequence change creates a premature translational stop signal (p.Leu2058Phefs*17) in the ALMS1 gene. It is expected to result in an absent or disrupted protein product. Loss-of-function variants in ALMS1 are known to be pathogenic (PMID: 17594715). This variant is present in population databases (rs759603306, gnomAD 0.02%). This premature translational stop signal has been observed in individual(s) with Alstrom syndrome (PMID: 25846608). ClinVar contains an entry for this variant (Variation ID: 529393). For these reasons, this variant has been classified as Pathogenic.

Department of Pediatrics, National Cheng-Kung University Hospital
Classification: Pathogenic for Alstrom syndrome. Review status: no assertion criteria provided. Collection method: clinical testing. Allele origin: germline. Inheritance: Autosomal recessive inheritance. Affected: yes. Not counted in ClinVar's aggregate classification.

Literature cited by the submitters: PubMed 38671463 (cited by Natera, Inc. and Women's Health and Genetics/Laboratory Corporation of America, LabCorp); PubMed 17594715 (cited by Labcorp Genetics (formerly Invitae), Labcorp); PubMed 25846608 (cited by Labcorp Genetics (formerly Invitae), Labcorp).